The following is an entry in ClinVar:

ClinVar aggregate classification (germline): Uncertain significance (1 of 4 stars; one submission).

gnomAD v4.1: 55 of 1,612,792 alleles (0.0034%); highest among the groups gnomAD compares: Non-Finnish European, 0.0046%; no homozygotes.

Submission:

Labcorp Genetics (formerly Invitae), Labcorp
Classification: Uncertain significance. Last evaluated: 2026-01-11. Review status: criteria provided, single submitter. Criteria: Invitae Variant Classification Sherloc (09022015). Collection method: clinical testing. Allele origin: germline.
Comment: This sequence change replaces proline, which is neutral and non-polar, with glutamine, which is neutral and polar, at codon 61 of the COL9A3 protein (p.Pro61Gln). This variant is present in population databases (rs149582526, gnomAD 0.004%). This variant has not been reported in the literature in individuals affected with COL9A3-related conditions. ClinVar contains an entry for this variant (Variation ID: 1401935). Experimental studies and prediction algorithms are not available or were not evaluated, and the functional significance of this variant is currently unknown. In summary, the available evidence is currently insufficient to determine the role of this variant in disease. Therefore, it has been classified as a Variant of Uncertain Significance.

NM_001853.4(COL9A3):c.182C>A (p.Pro61Gln)

Gene: COL9A3 (collagen type IX alpha 3 chain; plus strand). Cytogenetic location: 20q13.33.
Variant type: single nucleotide variant.
Coding change: c.182C>A on transcript NM_001853.4 (MANE Select); coding-DNA position 182, C replaced by A.
Protein change: p.Pro61Gln; replaces proline 61 with glutamine.
Molecular consequence: missense variant.
Genome position (GRCh38, 1-based): chr20:62,818,552, C>A. VCF-style: chr20-62818552-C-A. GRCh37 (hg19) VCF-style: chr20-61449904-C-A.
Other names: short protein forms P61Q.
Identifiers: ClinVar variation 1401935 (VCV001401935.7), dbSNP rs149582526, ClinGen allele CA9949042.
Genomic context (GRCh38, chr20:62,818,552, plus strand): 5'-TTACATGTGGGTGTCTTTCCTCACAGGGAGAAGCTGGTCCTCCAGGTCTGCCTGGGCCCC[C>A]GGTGAGTGTCCCTGGCTGGGGAGACAGCCTTTTTCCAGTCTGGAGAGAAAGGGGGAACTC-3'
Protein context (NP_001844.3, residues 51-71): EAGPPGLPGP[Pro61Gln]GPKGAPGKPG